The following is an entry in ClinVar:

NM_024675.4(PALB2):c.109-7C>T

Gene: PALB2 (partner and localizer of BRCA2; minus strand). Cytogenetic location: 16p12.2.
Variant type: single nucleotide variant.
Coding change: c.109-7C>T on transcript NM_024675.4 (MANE Select); 7 bases into the intron before coding-DNA position 109, C replaced by T.
Molecular consequence: intron variant.
Genome position (GRCh38, 1-based): chr16:23,637,959, G>A on the plus strand (C>T on the coding strand, the complement: PALB2 is on the minus strand). VCF-style: chr16-23637959-G-A. GRCh37 (hg19) VCF-style: chr16-23649280-G-A.
Identifiers: ClinVar variation 492147 (VCV000492147.14), dbSNP rs368705933, ClinGen allele CA7963842.

ClinVar aggregate classification (germline): Likely benign. Review status: criteria provided, multiple submitters, no conflicts (2 of 4 stars). 3 submissions from 3 submitters: Likely benign (3). Last evaluated 2025-05-17.

Conditions:
Hereditary cancer-predisposing syndrome. Also called: Hereditary neoplastic syndrome; Tumor predisposition; Hereditary Cancer Syndrome; Neoplastic Syndromes, Hereditary. Identifiers: Orphanet 140162, MedGen C0027672, MeSH D009386, MONDO:0015356.
Familial cancer of breast. Also called: Hereditary breast cancer; hereditary breast carcinoma; BREAST CANCER, FAMILIAL. Identifiers: Orphanet 227535, MedGen C0346153, MONDO:0016419, OMIM 114480. Disease mechanism: loss of function.

Allele frequency attached by ClinVar (database versions not stated): gnomAD exomes below 0.00001; TOPMed below 0.00001; ExAC 0.00001; gnomAD 0.00001; ESP Exome Variant Server 0.00008.

Submissions (3):

Labcorp Genetics (formerly Invitae), Labcorp
Classification: Likely benign for Familial cancer of breast. Last evaluated: 2025-05-17. Review status: criteria provided, single submitter. Criteria: Invitae Variant Classification Sherloc (09022015). Collection method: clinical testing. Allele origin: germline.

Myriad Genetics, Inc.
Classification: Likely benign for Familial cancer of breast. Last evaluated: 2025-01-09. Review status: criteria provided, single submitter. Criteria: Myriad Autosomal Dominant, Autosomal Recessive and X-Linked Classification Criteria (2023). Collection method: clinical testing. Allele origin: unknown.
Comment: This variant is considered likely benign. This variant is intronic and is not expected to impact mRNA splicing.

Color Diagnostics, LLC DBA Color Health
Classification: Likely benign for Hereditary cancer-predisposing syndrome. Last evaluated: 2017-08-10. Review status: criteria provided, single submitter. Criteria: ACMG Guidelines, 2015. Collection method: clinical testing. Allele origin: germline.